The following is an entry in ClinVar:

NM_000038.6(APC):c.8122A>G (p.Asn2708Asp)

Gene: APC (APC regulator of Wnt signaling pathway; plus strand). Cytogenetic location: 5q22.2.
Variant type: single nucleotide variant.
Coding change: c.8122A>G on transcript NM_000038.6 (MANE Select); coding-DNA position 8122, A replaced by G.
Protein change: p.Asn2708Asp; replaces asparagine 2708 with aspartic acid.
Molecular consequence: missense variant.
Genome position (GRCh38, 1-based): chr5:112,843,716, A>G. VCF-style: chr5-112843716-A-G. GRCh37 (hg19) VCF-style: chr5-112179413-A-G.
Other names: c.8122A>G, p.Asn2708Asp (NM_001127510.3, NM_001354895.2); c.8068A>G, p.Asn2690Asp (NM_001127511.3); c.8176A>G, p.Asn2726Asp (NM_001354896.2); c.8152A>G, p.Asn2718Asp (NM_001354897.2); c.8047A>G, p.Asn2683Asp (NM_001354898.2); c.8038A>G, p.Asn2680Asp (NM_001354899.2); c.7999A>G, p.Asn2667Asp (NM_001354900.2); c.7945A>G, p.Asn2649Asp (NM_001354901.2); and 5 more; short protein forms N2582D, N2667D, N2690D, N2425D, N2617D, N2708D, N2718D, N2548D.
Identifiers: ClinVar variation 642988 (VCV000642988.15), dbSNP rs1580690269, ClinGen allele CA16038973.

ClinVar aggregate classification (germline): Uncertain significance. Review status: criteria provided, multiple submitters, no conflicts (2 of 4 stars). 3 submissions from 3 submitters: Uncertain significance (3). Last evaluated 2024-05-30.

Conditions:
Desmoid disease, hereditary (DESMD). Also called: FIBROMATOSIS, FAMILIAL INFILTRATIVE. Identifiers: Orphanet 873, MedGen C1851124, OMIM 135290. Disease mechanism: loss of function.
Familial adenomatous polyposis 1 (FAP1). Also called: FAMILIAL ADENOMATOUS POLYPOSIS 1, ATTENUATED; POLYPOSIS, ADENOMATOUS INTESTINAL. Identifiers: MedGen C2713442, MONDO:0021056, OMIM 175100. Disease mechanism: loss of function.
Gastric cancer. Also called: Malignant tumor of stomach; Stomach cancer. Identifiers: MedGen C0024623, MeSH D013274, MONDO:0001056, OMIM 613659, HP:0012126.
Colorectal cancer. Also called: Colorectal cancer, somatic; Malignant Colorectal Neoplasm. Identifiers: MedGen C0346629, MONDO:0005575, OMIM 114500.
Gastric adenocarcinoma and proximal polyposis of the stomach (GAPPS). Also called: Polyposis, gastric, Dos Santos and de Magalhaes 1980; POLYPOSIS, GASTRIC; Gastric Adenocarcinoma and Proximal Polyposis of the Stomach (GAPPS). Identifiers: Orphanet 314022, MedGen C4749917, MONDO:0017790, OMIM 619182.
Hepatocellular carcinoma (HCC). Also called: Primary carcinoma of liver; HEPATOMA; LIVER CELL CARCINOMA. Identifiers: HP:0002899, Orphanet 88673, MedGen C2239176, MONDO:0007256, OMIM 114550.
Hereditary cancer-predisposing syndrome. Also called: Hereditary Cancer Syndrome; Tumor predisposition; Neoplastic Syndromes, Hereditary; Hereditary neoplastic syndrome. Identifiers: Orphanet 140162, MedGen C0027672, MeSH D009386, MONDO:0015356.

Allele frequency attached by ClinVar (database versions not stated): gnomAD exomes 0.00001.
gnomAD v4.1: 7 of 1,614,084 alleles (0.00043%); highest among the groups gnomAD compares: Non-Finnish European, 0.00059%; no homozygotes.

Submissions (3):

Fulgent Genetics
Classification: Uncertain significance for Colorectal cancer; Hepatocellular carcinoma; Desmoid disease, hereditary; Familial adenomatous polyposis 1; Gastric cancer; Gastric adenocarcinoma and proximal polyposis of the stomach. Last evaluated: 2024-05-30. Review status: criteria provided, single submitter. Criteria: ACMG Guidelines, 2015. Collection method: clinical testing. Allele origin: germline.

Labcorp Genetics (formerly Invitae), Labcorp
Classification: Uncertain significance for Familial adenomatous polyposis 1. Last evaluated: 2023-11-17. Review status: criteria provided, single submitter. Criteria: Invitae Variant Classification Sherloc (09022015). Collection method: clinical testing. Allele origin: germline.
Comment: This sequence change replaces asparagine, which is neutral and polar, with aspartic acid, which is acidic and polar, at codon 2708 of the APC protein (p.Asn2708Asp). This variant is not present in population databases (gnomAD no frequency). This variant has not been reported in the literature in individuals affected with APC-related conditions. ClinVar contains an entry for this variant (Variation ID: 642988). Advanced modeling of protein sequence and biophysical properties (such as structural, functional, and spatial information, amino acid conservation, physicochemical variation, residue mobility, and thermodynamic stability) performed at Invitae indicates that this missense variant is not expected to disrupt APC protein function with a negative predictive value of 95%. In summary, the available evidence is currently insufficient to determine the role of this variant in disease. Therefore, it has been classified as a Variant of Uncertain Significance.

Ambry Genetics
Classification: Uncertain significance for Hereditary cancer-predisposing syndrome. Last evaluated: 2023-02-28. Review status: criteria provided, single submitter. Criteria: Ambry Variant Classification Scheme 2023. Collection method: clinical testing. Allele origin: germline.
Comment: The p.N2708D variant (also known as c.8122A>G), located in coding exon 15 of the APC gene, results from an A to G substitution at nucleotide position 8122. The asparagine at codon 2708 is replaced by aspartic acid, an amino acid with highly similar properties. This amino acid position is conserved. In addition, in silico predictors for this gene do not accurately predict pathogenicity. Since supporting evidence is limited at this time, the clinical significance of this alteration remains unclear.